The following continues an entry in ClinVar:

NM_001377304.1(GFI1B):c.503G>T (p.Cys168Phe)

Gene: GFI1B. ClinVar aggregate classification (germline): Conflicting classifications of pathogenicity. Pathogenic (1); Likely pathogenic (10); Uncertain significance (2); Benign (1).

Submissions 7 to 14 of 14:

Women's Health and Genetics/Laboratory Corporation of America, LabCorp
Classification: Uncertain significance. Last evaluated: 2025-07-03. Review status: criteria provided, single submitter. Criteria: LabCorp Variant Classification Summary - May 2015. Collection method: clinical testing. Allele origin: germline.
Comment: Variant summary: GFI1B c.503G>T (p.Cys168Phe) results in a non-conservative amino acid change located in the first C2H2-type Zinc finger domain (IPR013087) of the encoded protein sequence. Four of five in-silico tools predict a damaging effect of the variant on protein function. The variant allele was found at a frequency of 0.00049 in 249018 control chromosomes, predominantly at a frequency of 0.004 within the South Asian subpopulation in the gnomAD database, including 1 homozygote. The observed variant frequency within South Asian control individuals in the gnomAD database exceeds the estimated maximal expected allele frequency for a pathogenic variant in GFI1B causing Platelet-Type Bleeding Disorder 17 phenotype. However, the variant c.503G>T has been observed in heterozygous state in multiple families/individuals who had abnormal laboratory values (including macro-thrombocytopenia, platelet aggregation dysfunctions), and had mild symptoms (e.g. bruising), but no bleeding disorders (e.g. Rabbolini_2017, Cheng_2019, Almazni_2020); most of these families were noted to have South Asian ancestry. In addition, the variant was reported in a homozygous state in at least two individuals, who had marked laboratory alterations (thrombocytopenia and abnormal platelet functions), and both were also reported to have abnormal bleeding (Chen_2014, Van Oorschot_2019). Further, large-scale association analysis between the genotypes and blood parameters in 7,628 individuals of South Asian ancestry in the UK Biobank found that the variant was associated with a lower platelet count and a higher mean platelet volume, which would be sufficient to decrease the platelet count to the range that can be observed in carriers with bleeding or macrothrombocytopenia (Cheng_2019), and the association was also confirmed by a multidisciplinary team (Stefanucci_2023). Publications also reported experimental evidence evaluating an impact on protein function, and demonstrated that the variant results in compromised function for the GFI1B protein (e.g. Rabbolini_2017, Van Oorschot_2019). These data indicate that the variant likely represents a hypomorphic allele (or a loss-of-function variant without dominant negative effect), which can be associated with disease. The following publications have been ascertained in the context of this evaluation (PMID: 32935436, 27651169, 31207059, 36833422, 28880435, 30573501, 25258084, 37647632). ClinVar contains an entry for this variant (Variation ID: 1695382). Based on the evidence outlined above, the variant was classified as VUS-possibly pathogenic.

Center for Genomic Medicine, Rigshospitalet, Copenhagen University Hospital
Classification: Likely pathogenic. Last evaluated: 2025-03-04. Review status: criteria provided, single submitter. Criteria: ACMG Guidelines, 2015. Collection method: clinical testing. Allele origin: germline.

Blueprint Genetics
Classification: Uncertain significance. Last evaluated: 2024-11-18. Review status: criteria provided, single submitter. Criteria: ACMG Guidelines, 2015. Collection method: clinical testing. Allele origin: germline.

Genetics and Molecular Pathology, SA Pathology
Classification: Likely pathogenic for Platelet-type bleeding disorder 17. Last evaluated: 2024-04-02. Review status: criteria provided, single submitter. Criteria: ACMG Guidelines, 2015. Collection method: clinical testing. Allele origin: germline. Affected: yes.
Comment: The GFI1B c.503G>T variant is classified as LIKELY PATHOGENIC (PM2_Supporting, PS4_Moderate, PP1_Strong, PS3_Moderate) The GFI1B c.503G>T variant is a single nucleotide change in exon 8/11 of the GFI1B gene, which is predicted to change the amino acid cysteine at position 168 in the protein to phenylalanine. This variant is located within the zinc-finger binding domain of the GFI1B protein and is predicted to affect the conformation of the domain. This variant is present in population databases (gnomAD3.1.2 allele frequency = 0.011%; 18 het and 0 hom in 152230 sequenced alleles) (PM2_Supporting). It has been reported in a heterozygous state in patients with thrombocytopenia (PMID:31207059, 28880435, internal database) (PS4_Moderate) and found to segregate in an autosomal dominant manner in three unrelated families with mild to moderate macrothrombocytopenia, but without significant bruising or bleeding symptoms (PP1_Strong). Moreover, two individuals homozygous for the p.(Cys168Phe) mutation have been reported to have marked thrombocytopenia and abnormal platelet function, suggesting that this variant is a loss-of-function or hypomorphic allele (PMID: 25258084 and 30573501). Functional studies show a deleterious effect of this variant. p.(Cys168Phe) is predicted to disrupt znf1 structure and thereby GFI1B function. This was confirmed in functional experiments showing that p.(Cys168Phe) disrupts the repressive function of GFI1B gene expression (PMID: 30573501) (PS3_moderate). The variant has been reported in dbSNP (rs527297896) and in the HGMD database: CM1724779. It has been reported with conflicting interpretations of pathogenicity by other diagnostic laboratories (ClinVar Variation ID: 1695382).

Labcorp Genetics (formerly Invitae), Labcorp
Classification: Benign. Last evaluated: 2020-03-31. Review status: criteria provided, single submitter. Criteria: Invitae Variant Classification Sherloc (09022015). Collection method: clinical testing. Allele origin: germline.

ISTH-SSC Genomics in Thrombosis and Hemostasis, KU Leuven, Center for Molecular and Vascular Biology
Classification: Likely pathogenic for Platelet-type bleeding disorder 17. Review status: criteria provided, single submitter. Criteria: ACMG Guidelines, 2015. Collection method: clinical testing. Allele origin: germline. Affected: yes. Observed: 1 homozygote.
Comment: Submitted to the GoldVariant database by Dr Marie-Christine Morel-Kopp; Northern Blood Research Centre, Sydney, Australia

Lifecell International Pvt. Ltd
Classification: Likely pathogenic for Platelet-type bleeding disorder 17. Review status: criteria provided, single submitter. Criteria: ACMG Guidelines, 2015. Collection method: clinical testing. Allele origin: germline. Inheritance: Autosomal dominant inheritance. Affected: yes. Observed: 1 heterozygote.
Comment: A Heterozygous Missense variant c.503G>T in Exon 8 of the GFI1B gene that results in the amino acid substitution p.Cys168Phe was identified. The observed variant has a minor allele frequency of 0.00049% in gnomAD exomes and genomes, respectively. The severity of the impact of this variant on the protein is high, based on the effect of the protein and REVEL score. Rare Exome Variant Ensemble Learner (REVEL) is an ensembl method for predicting the pathogenicity of missense variants based on a combination of scores from 13 individual tools: MutPred, FATHMM v2.3, VEST 3.0, PolyPhen-2, SIFT, PROVEAN, MutationAssessor, MutationTaster, LRT, GERP++, SiPhy, phyloP, and phastCons. The REVEL score for an individual missense variant can range from 0 to 1, with higher scores reflecting greater likelihood that the variant is disease-causing. The variant has been reported to ClinVar as Uncertain significance: Pathogenic (1); with a status of (1 star) criteria provided, single submitter (Variation ID 1695382 as of 2022-12-17). Mutations in the gene have been documented to cause Platelet-type bleeding disorder 17 (Monteferrario, Davide et al., 2014). Based on the above evidence this variant has been classified as Likely Pathogenic according to the ACMG guidelines.

Neuberg Centre For Genomic Medicine, NCGM
Classification: Pathogenic for Platelet-type bleeding disorder 17. Review status: criteria provided, single submitter. Criteria: ACMG Guidelines, 2015. Collection method: clinical testing. Allele origin: germline. Inheritance: Autosomal dominant inheritance. Affected: yes.
Comment: The missense variant p.C168F in GFI1B (NM_004188.6) has been previously reported in individuals as homozygous as well as heterozygous forms (Cheng et al, 2019). However, individuals with homozygous C168F variant suffered from clinical bleeding symptoms with thrombocytopenia and platelet aggregation dysfunction whereas heterozygous C168F patients only displayed macrothrombocytopenia with platelet CD34 expression (partial effect on the phenotype) (van Oorschot, Rinske et al, 2019). Experimental studies suggest that this mutation causes de-repression of other genes through disruption of the protein’s usual transcriptional repressor activity (Rabbolini et al, 2017). This variant has a gnomAD allele frequency of 0.04899 % and 5/978 (0.5112%) alleles from individuals of South Asian background in 1000 Genomes. It has been observed in homozygous form in two control individuals in the Gnomad database. The p.C168F missense variant is predicted to be damaging by both SIFT and PolyPhen2. The cysteine residue at codon 168 of GFI1B is conserved in all mammalian species. The nucleotide c.503 in GFI1B is predicted conserved by GERP++ and PhyloP across 100 vertebrates. For these reasons, this variant has been classified as Pathogenic.

Literature cited by the submitters: PubMed 25258084 (cited by 5 submitters); PubMed 28880435 (cited by 5 submitters); PubMed 30349881 (cited by Ambry Genetics and Mayo Clinic Laboratories, Mayo Clinic); PubMed 30573501 (cited by 5 submitters); PubMed 31207059 (cited by 5 submitters); PubMed 37647632 (cited by Victorian Clinical Genetics Services, Murdoch Childrens Research Institute and Women's Health and Genetics/Laboratory Corporation of America, LabCorp); PubMed 28041820 (cited by Victorian Clinical Genetics Services, Murdoch Childrens Research Institute); PubMed 34355501 (cited by Victorian Clinical Genetics Services, Murdoch Childrens Research Institute); PubMed 32633597 (cited by Victorian Clinical Genetics Services, Murdoch Childrens Research Institute); PubMed 28550182 (cited by Victorian Clinical Genetics Services, Murdoch Childrens Research Institute); PubMed 23927492 (cited by Victorian Clinical Genetics Services, Murdoch Childrens Research Institute); PubMed 29143464 (cited by Mayo Clinic Laboratories, Mayo Clinic); PubMed 27651169 (cited by Women's Health and Genetics/Laboratory Corporation of America, LabCorp); PubMed 32935436 (cited by Women's Health and Genetics/Laboratory Corporation of America, LabCorp); PubMed 36833422 (cited by Women's Health and Genetics/Laboratory Corporation of America, LabCorp); PubMed 24325358 (cited by Lifecell International Pvt. Ltd).